The following is an entry in ClinVar:

ClinVar aggregate classification (germline): Uncertain significance (1 of 4 stars; one submission).

Conditions:
Hereditary cancer-predisposing syndrome. Also called: Tumor predisposition; Neoplastic Syndromes, Hereditary; Hereditary Cancer Syndrome; Hereditary neoplastic syndrome. Identifiers: Orphanet 140162, MedGen C0027672, MeSH D009386, MONDO:0015356.

Submission:

Ambry Genetics
Classification: Uncertain significance for Hereditary cancer-predisposing syndrome. Last evaluated: 2025-01-02. Review status: criteria provided, single submitter. Criteria: Ambry Variant Classification Scheme 2023. Collection method: clinical testing. Allele origin: germline.
Comment: The p.E204G variant (also known as c.611A>G), located in coding exon 3 of the MSH6 gene, results from an A to G substitution at nucleotide position 611. The glutamic acid at codon 204 is replaced by glycine, an amino acid with similar properties. This amino acid position is highly conserved in available vertebrate species. In addition, this alteration is predicted to be tolerated by in silico analysis. Based on the available evidence, the clinical significance of this variant remains unclear.

NM_000179.3(MSH6):c.611A>G (p.Glu204Gly)

Gene: MSH6 (mutS homolog 6; plus strand). Cytogenetic location: 2p16.3.
Variant type: single nucleotide variant.
Coding change: c.611A>G on transcript NM_000179.3 (MANE Select); coding-DNA position 611, A replaced by G.
Protein change: p.Glu204Gly; replaces glutamic acid 204 with glycine.
Molecular consequence: missense variant. On other transcripts: 5 prime UTR variant (2), non-coding transcript variant (5), intron variant (8).
Genome position (GRCh38, 1-based): chr2:47,796,047, A>G. VCF-style: chr2-47796047-A-G. GRCh37 (hg19) VCF-style: chr2-48023186-A-G.
Other names: c.-292A>G (NM_001281494.2); c.707A>G, p.Glu236Gly (NM_001406795.1, NM_001406802.1); c.611A>G, p.Glu204Gly (NM_001406796.1, NM_001406798.1, NM_001406800.1 and 5 more transcripts); c.314A>G, p.Glu105Gly (NM_001406797.1, NM_001406801.1, NM_001406805.1 and 10 more transcripts); c.86A>G, p.Glu29Gly (NM_001406799.1, NM_001406806.1, NM_001406807.1); c.533A>G, p.Glu178Gly (NM_001406804.1); c.617A>G, p.Glu206Gly (NM_001406813.1); c.-384A>G (NM_001406814.1); and 3 more; short protein forms E204G, E206G, E105G, E148G, E236G, E29G, E178G.
Identifiers: ClinVar variation 3875059 (VCV003875059.1).